The following is an entry in ClinVar:

ClinVar aggregate classification (germline): Uncertain significance (1 of 4 stars; one submission).

Allele frequency attached by ClinVar (database versions not stated): gnomAD exomes below 0.00001.
gnomAD v4.1: 2 of 1,614,046 alleles (0.00012%); highest among the groups gnomAD compares: Non-Finnish European, 0.000085%; no homozygotes.

Submission:

Ambry Genetics
Classification: Uncertain significance. Last evaluated: 2023-06-09. Review status: criteria provided, single submitter. Criteria: Ambry Variant Classification Scheme 2023. Collection method: clinical testing. Allele origin: germline.
Comment: The p.A1435V variant (also known as c.4304C>T), located in coding exon 12 of the MLH3 gene, results from a C to T substitution at nucleotide position 4304. The alanine at codon 1435 is replaced by valine, an amino acid with similar properties. This amino acid position is conserved. In addition, this alteration is predicted to be tolerated by in silico analysis. Since supporting evidence is limited at this time, the clinical significance of this alteration remains unclear.

NM_001040108.2(MLH3):c.4304C>T (p.Ala1435Val)

Gene: MLH3 (mutL homolog 3; minus strand). Cytogenetic location: 14q24.3.
Variant type: single nucleotide variant.
Coding change: c.4304C>T on transcript NM_001040108.2 (MANE Select); coding-DNA position 4304, C replaced by T.
Protein change: p.Ala1435Val; replaces alanine 1435 with valine.
Molecular consequence: missense variant.
Genome position (GRCh38, 1-based): chr14:75,017,140, G>A on the plus strand (C>T on the coding strand, the complement: MLH3 is on the minus strand). VCF-style: chr14-75017140-G-A. GRCh37 (hg19) VCF-style: chr14-75483843-G-A.
Other names: c.4232C>T, p.Ala1411Val (NM_014381.3); short protein forms A1435V, A1411V.
Identifiers: ClinVar variation 2563583 (VCV002563583.2), dbSNP rs2139283375, ClinGen allele CA390417839.
Genomic context (GRCh38, chr14:75,017,140, plus strand): 5'-TCTCATGGTGGCTCACAGGGAGGCATGGATTGCTGCAGGCTCTGCCTTGTATCACACTCT[G>A]CTTTTCCAAAGAGACGCCAGGCCTGGGCCATTTTGCGAAGTTTAGTGAGGTTGGGTTTAA-3'
Protein context (NP_001035197.1, residues 1425-1445): MAQAWRLFGK[Ala1435Val]ECDTRQSLQQ